The following is an entry in ClinVar:

NM_001035235.4(SRA1):c.404A>C (p.Gln135Pro)

Gene: SRA1 (steroid receptor RNA activator 1; minus strand). Cytogenetic location: 5q31.3.
Variant type: single nucleotide variant.
Coding change: c.404A>C on transcript NM_001035235.4 (MANE Select); coding-DNA position 404, A replaced by C.
Protein change: p.Gln135Pro; replaces glutamine 135 with proline.
Molecular consequence: missense variant. On other transcripts: non-coding transcript variant (2).
Genome position (GRCh38, 1-based): chr5:140,551,120, T>G on the plus strand (A>C on the coding strand, the complement: SRA1 is on the minus strand). VCF-style: chr5-140551120-T-G. GRCh37 (hg19) VCF-style: chr5-139930705-T-G.
Other names: c.356A>C, p.Gln119Pro (NM_001253764.2); c.440A>C (NM_001035235.2); short protein forms Q119P, Q135P.
Identifiers: ClinVar variation 1469232 (VCV001469232.7), dbSNP rs745637128, ClinGen allele CA3440542.

ClinVar aggregate classification (germline): Uncertain significance. Review status: criteria provided, multiple submitters, no conflicts (2 of 4 stars). 2 submissions from 2 submitters: Uncertain significance (2). Last evaluated 2025-04-28.

Allele frequency attached by ClinVar (database versions not stated): ExAC 0.00002; gnomAD exomes 0.00003 and 0.00006; TOPMed 0.00005.
gnomAD v4.1: 19 of 1,614,216 alleles (0.0012%); highest among the groups gnomAD compares: Admixed American, 0.03%; no homozygotes.

Submissions (2):

Labcorp Genetics (formerly Invitae), Labcorp
Classification: Uncertain significance. Last evaluated: 2025-04-28. Review status: criteria provided, single submitter. Criteria: Invitae Variant Classification Sherloc (09022015). Collection method: clinical testing. Allele origin: germline.
Comment: This sequence change replaces glutamine, which is neutral and polar, with proline, which is neutral and non-polar, at codon 147 of the SRA1 protein (p.Gln147Pro). This variant is present in population databases (rs745637128, gnomAD 0.04%). This variant has not been reported in the literature in individuals affected with SRA1-related conditions. ClinVar contains an entry for this variant (Variation ID: 1469232). An algorithm developed to predict the effect of missense changes on protein structure and function (PolyPhen-2) suggests that this variant is likely to be disruptive. In summary, the available evidence is currently insufficient to determine the role of this variant in disease. Therefore, it has been classified as a Variant of Uncertain Significance.

Ambry Genetics
Classification: Uncertain significance. Last evaluated: 2024-12-25. Review status: criteria provided, single submitter. Criteria: Ambry Variant Classification Scheme 2023. Collection method: clinical testing. Allele origin: germline.